The following is an entry in ClinVar:

NM_003978.5(PSTPIP1):c.62_63delinsAA (p.Gly21Glu)

Gene: PSTPIP1 (proline-serine-threonine phosphatase interacting protein 1; plus strand). Cytogenetic location: 15q24.3.
Variant type: Indel.
Coding change: c.62_63delinsAA on transcript NM_003978.5 (MANE Select); coding-DNA positions 62 to 63, GC replaced by AA.
Protein change: p.Gly21Glu; replaces glycine 21 with glutamic acid.
Molecular consequence: missense variant. On other transcripts: non-coding transcript variant (1).
Genome position (GRCh38, 1-based): chr15:77,018,173-77,018,174, GC replaced by AA. VCF-style: chr15-77018173-GC-AA. GRCh37 (hg19) VCF-style: chr15-77310514-GC-AA.
Other names: c.62_63delinsAA, p.Gly21Glu (NM_001321135.2); c.35_36delinsAA, p.Gly12Glu (NM_001321136.2); c.257_258delinsAA, p.Gly86Glu (NM_001321137.1); short protein forms G12E, G86E, G21E.
Identifiers: ClinVar variation 1518219 (VCV001518219.6), dbSNP rs2152678736, ClinGen allele CA2573151179.

ClinVar aggregate classification (germline): Uncertain significance (1 of 4 stars; one submission).

Conditions:
Pyogenic arthritis-pyoderma gangrenosum-acne syndrome (PAPA). Also called: FAMILIAL RECURRENT ARTHRITIS; PAPA SYNDROME. Identifiers: Orphanet 69126, MedGen C1858361, MONDO:0011462, OMIM 604416.

Submission:

Labcorp Genetics (formerly Invitae), Labcorp
Classification: Uncertain significance for Pyogenic arthritis-pyoderma gangrenosum-acne syndrome. Last evaluated: 2021-09-09. Review status: criteria provided, single submitter. Criteria: Invitae Variant Classification Sherloc (09022015). Collection method: clinical testing. Allele origin: germline.
Comment: This sequence change replaces glycine with glutamic acid at codon 21 of the PSTPIP1 protein (p.Gly21Glu). The glycine residue is moderately conserved and there is a moderately physicochemical difference between glycine and glutamic acid. In summary, the available evidence is currently insufficient to determine the role of this variant in disease. Therefore, it has been classified as a Variant of Uncertain Significance. Algorithms developed to predict the effect of missense changes on protein structure and function are either unavailable or do not agree on the potential impact of this missense change (SIFT: "Not Available"; PolyPhen-2: "Probably Damaging"; Align-GVGD: "Not Available"). This variant has not been reported in the literature in individuals affected with PSTPIP1-related conditions. The frequency data for this variant in the population databases is not available, as this variant may be reported as separate entries in the ExAC database.